The following is an entry in ClinVar:

ClinVar aggregate classification (germline): Likely pathogenic (1 of 4 stars; one submission).

Conditions:
Fanconi anemia (FA). Also called: Fanconi's anemia. Identifiers: Orphanet 84, MedGen C0015625, MeSH D005199, MONDO:0019391.

Submission:

Labcorp Genetics (formerly Invitae), Labcorp
Classification: Likely pathogenic for Fanconi anemia. Last evaluated: 2018-02-21. Review status: criteria provided, single submitter. Criteria: Invitae Variant Classification Sherloc (09022015). Collection method: clinical testing. Allele origin: germline.
Comment: This variant is a gross duplication of the genomic region encompassing exons 15-36 of the FANCA gene. While the exact position of the duplicated exons cannot be determined from this data, sub-genic duplications are generally in tandem (PMID: 25640679) and may result in an absent or disrupted protein product. This variant has not been reported in the literature in individuals with FANCA-related disease. Loss-of-function variants in FANCA are known to be pathogenic (PMID: 19367192). In summary, the currently available evidence indicates that the variant is pathogenic, but additional data are needed to prove that conclusively. Therefore, this variant has been classified as Likely Pathogenic.

NC_000016.9:g.(?_89811367)_(89851372_?)dup

Genes: FANCA (FA complementation group A; minus strand), LOC130059837 (ATAC-STARR-seq lymphoblastoid active region 11420; plus strand), LOC130059838 (ATAC-STARR-seq lymphoblastoid active region 11421; plus strand), LOC132090450 (Neanderthal introgressed variant-containing enhancer experimental_46718; plus strand). Cytogenetic location: 16q24.3.
Variant type: Duplication.
Identifiers: ClinVar variation 583947 (VCV000583947.1).